The following is an entry in ClinVar:

NM_019098.5(CNGB3):c.1126A>G (p.Asn376Asp)

Gene: CNGB3 (cyclic nucleotide gated channel subunit beta 3; minus strand). Cytogenetic location: 8q21.3.
Variant type: single nucleotide variant.
Coding change: c.1126A>G on transcript NM_019098.5 (MANE Select); coding-DNA position 1126, A replaced by G.
Protein change: p.Asn376Asp; replaces asparagine 376 with aspartic acid.
Molecular consequence: missense variant.
Genome position (GRCh38, 1-based): chr8:86,643,803, T>C on the plus strand (A>G on the coding strand, the complement: CNGB3 is on the minus strand). VCF-style: chr8-86643803-T-C. GRCh37 (hg19) VCF-style: chr8-87656031-T-C.
Other names: short protein forms N376D.
Identifiers: ClinVar variation 970205 (VCV000970205.8), dbSNP rs754937899, ClinGen allele CA4800153.

ClinVar aggregate classification (germline): Uncertain significance. Review status: criteria provided, single submitter (1 of 4 stars). 2 submissions from 2 submitters: Uncertain significance (1). 1 of the submissions does not count toward it. Last evaluated 2025-06-17.

Conditions:
Achromatopsia. Also called: Rod monochromatism. Identifiers: Orphanet 49382, MedGen C0152200, MONDO:0018852, HP:0011516.

Allele frequency attached by ClinVar (database versions not stated): gnomAD exomes 0.00001 and 0.00002; ExAC 0.00002; gnomAD 0.00002 and 0.00003; TOPMed 0.00002.
gnomAD v4.1: 11 of 1,606,674 alleles (0.00068%); highest among the groups gnomAD compares: Admixed American, 0.0017%; no homozygotes.

Submissions (2):

Labcorp Genetics (formerly Invitae), Labcorp
Classification: Uncertain significance. Last evaluated: 2025-06-17. Review status: criteria provided, single submitter. Criteria: Invitae Variant Classification Sherloc (09022015). Collection method: clinical testing. Allele origin: germline.
Comment: This sequence change replaces asparagine, which is neutral and polar, with aspartic acid, which is acidic and polar, at codon 376 of the CNGB3 protein (p.Asn376Asp). The frequency data for this variant in the population databases is considered unreliable, as metrics indicate poor data quality at this position in the gnomAD database. This variant has not been reported in the literature in individuals affected with CNGB3-related conditions. ClinVar contains an entry for this variant (Variation ID: 970205). Invitae Evidence Modeling of protein sequence and biophysical properties (such as structural, functional, and spatial information, amino acid conservation, physicochemical variation, residue mobility, and thermodynamic stability) indicates that this missense variant is not expected to disrupt CNGB3 protein function with a negative predictive value of 95%. In summary, the available evidence is currently insufficient to determine the role of this variant in disease. Therefore, it has been classified as a Variant of Uncertain Significance.

Natera, Inc.
Classification: Uncertain significance for Achromatopsia. Last evaluated: 2020-03-11. Review status: no assertion criteria provided. Collection method: clinical testing. Allele origin: germline. Not counted in ClinVar's aggregate classification.